The following is an entry in ClinVar:

NM_020436.5(SALL4):c.2865_2870dup (p.Glu956_Ile957insMetGlu)

Gene: SALL4 (spalt like transcription factor 4; minus strand). Cytogenetic location: 20q13.2.
Variant type: Duplication.
Coding change: c.2865_2870dup on transcript NM_020436.5 (MANE Select); coding-DNA positions 2865 to 2870, 6 bases duplicated (GGAAAT; older notation c.2865_2870dupGGAAAT).
Protein change: p.Glu956_Ile957insMetGlu.
Genome position (GRCh38, 1-based): chr20:51,784,557-51,784,562, ATTTCC duplicated on the plus strand (GGAAAT on the coding strand, the reverse complement: SALL4 is on the minus strand). VCF-style (leftmost placement, unchanged base first): chr20-51784556-G-GATTTCC. GRCh37 (hg19) VCF-style: chr20-50401095-G-GATTTCC.
Other names: c.1554_1559dup, p.Glu519_Ile520insMetGlu (NM_001318031.2).
Identifiers: ClinVar variation 3715909 (VCV003715909.2).

ClinVar aggregate classification (germline): Uncertain significance (1 of 4 stars; one submission).

Conditions:
Duane-radial ray syndrome (DRRS). Also called: ACRORENOOCULAR SYNDROME; DR SYNDROME; DUANE ANOMALY WITH RADIAL RAY ABNORMALITIES AND DEAFNESS; Okihiro Syndrome; Duane-Radial Ray Syndrome (DRRS) / Okihiro Syndrome; Duane-Radial Ray Syndrome/Okihiro Syndrome. Identifiers: Orphanet 93293, Orphanet 959, MedGen C1623209, MONDO:0011812, OMIM 607323. Disease mechanism: gain of function.

Submission:

Labcorp Genetics (formerly Invitae), Labcorp
Classification: Uncertain significance for Duane-radial ray syndrome. Last evaluated: 2024-08-08. Review status: criteria provided, single submitter. Criteria: Invitae Variant Classification Sherloc (09022015). Collection method: clinical testing. Allele origin: germline.
Comment: This variant, c.2865_2870dup, results in the insertion of 2 amino acid(s) of the SALL4 protein (p.Glu956_Ile957insMetGlu), but otherwise preserves the integrity of the reading frame. This variant is present in population databases (rs763299635, gnomAD 0.03%). This variant has not been reported in the literature in individuals affected with SALL4-related conditions. In summary, the available evidence is currently insufficient to determine the role of this variant in disease. Therefore, it has been classified as a Variant of Uncertain Significance.